The following is an entry in ClinVar:

ClinVar aggregate classification (germline): Likely benign (1 of 4 stars; one submission).

Conditions:
Hyper-IgM syndrome type 5 (HIGM5). Also called: Hyper-IgM Immunodeficiency Syndrome, Type 5. Identifiers: Orphanet 101092, MedGen C1720958, MONDO:0011971, OMIM 608106.

Allele frequency attached by ClinVar (database versions not stated): 1000 Genomes Project 30x 0.00297; 1000 Genomes Project 0.00300; gnomAD 0.00341 and 0.00374; TOPMed 0.00392.

Submission:

Illumina Laboratory Services, Illumina
Classification: Likely benign for Hyper-IgM syndrome type 5. Last evaluated: 2018-01-13. Review status: criteria provided, single submitter. Criteria: ICSL Variant Classification Criteria 13 December 2019. Collection method: clinical testing. Allele origin: germline.
Comment: This variant was observed in the ICSL laboratory as part of a predisposition screen in an ostensibly healthy population. It had not been previously curated by ICSL or reported in the Human Gene Mutation Database (HGMD: prior to June 1st, 2018), and was therefore a candidate for classification through an automated scoring system. Utilizing variant allele frequency, disease prevalence and penetrance estimates, and inheritance mode, an automated score was calculated to assess if this variant is too frequent to cause the disease. Based on the score and internal cut-off values, a variant classified as likely benign is not then subjected to further curation. The score for this variant resulted in a classification of likely benign for this disease.

NM_080911.3(UNG):c.*708T>C

Gene: UNG (uracil DNA glycosylase; plus strand). Cytogenetic location: 12q24.11.
Variant type: single nucleotide variant.
Coding change: c.*708T>C on transcript NM_080911.3 (MANE Select); 708 bases downstream of the stop codon, T replaced by C.
Molecular consequence: 3 prime UTR variant.
Genome position (GRCh38, 1-based): chr12:109,110,677, T>C. VCF-style: chr12-109110677-T-C. GRCh37 (hg19) VCF-style: chr12-109548482-T-C.
Other names: c.*708T>C (NM_003362.4).
Identifiers: ClinVar variation 306992 (VCV000306992.5), dbSNP rs150677845, ClinGen allele CA10636337.